The following is an entry in ClinVar:

NM_001277115.2(DNAH11):c.8521A>G (p.Ser2841Gly)

Gene: DNAH11 (dynein axonemal heavy chain 11; plus strand). Cytogenetic location: 7p15.3.
Variant type: single nucleotide variant.
Coding change: c.8521A>G on transcript NM_001277115.2 (MANE Select); coding-DNA position 8521, A replaced by G.
Protein change: p.Ser2841Gly; replaces serine 2841 with glycine.
Molecular consequence: missense variant.
Genome position (GRCh38, 1-based): chr7:21,748,590, A>G. VCF-style: chr7-21748590-A-G. GRCh37 (hg19) VCF-style: chr7-21788208-A-G.
Other names: short protein forms S2841G.
Identifiers: ClinVar variation 359657 (VCV000359657.53), dbSNP rs199789835, ClinGen allele CA4181635.

ClinVar aggregate classification (germline): Conflicting classifications of pathogenicity. Review status: criteria provided, conflicting classifications (1 of 4 stars). 6 submissions from 6 submitters: Uncertain significance (1); Likely benign (4). 1 of the submissions does not count toward it. Last evaluated 2026-02-02.

Conditions:
DNAH11-related disorder. Also called: DNAH11-related condition.
Primary ciliary dyskinesia. Also called: Ciliary dyskinesia. Identifiers: Orphanet 244, MedGen C0008780, MONDO:0016575, HP:0012265.
Primary ciliary dyskinesia 7. Also called: CILIARY DYSKINESIA, PRIMARY, 7, WITH OR WITHOUT SITUS INVERSUS. Identifiers: Orphanet 244, MedGen C2678473, MONDO:0012748, OMIM 611884.

Allele frequency attached by ClinVar (database versions not stated): ESP Exome Variant Server 0.00025; TOPMed 0.00039; gnomAD 0.00040 and 0.00042; gnomAD exomes 0.00049 and 0.00067; ExAC 0.00070.
gnomAD v4.1: 749 of 1,544,072 alleles (0.049%); highest among the groups gnomAD compares: South Asian, 0.08%; 2 homozygotes.

Submissions (6):

Labcorp Genetics (formerly Invitae), Labcorp
Classification: Likely benign for Primary ciliary dyskinesia. Last evaluated: 2026-02-02. Review status: criteria provided, single submitter. Criteria: Invitae Variant Classification Sherloc (09022015). Collection method: clinical testing. Allele origin: germline.

CeGaT Center for Human Genetics Tuebingen
Classification: Likely benign. Last evaluated: 2025-08-01. Review status: criteria provided, single submitter. Criteria: CeGaT Center For Human Genetics Tuebingen Variant Classification Criteria Version 2. Collection method: clinical testing. Allele origin: germline. Affected: yes. Observed: 3 variant alleles.
Comment: DNAH11: BP4

Ambry Genetics
Classification: Likely benign for Primary ciliary dyskinesia. Last evaluated: 2025-06-05. Review status: criteria provided, single submitter. Criteria: Ambry Variant Classification Scheme 2023. Collection method: clinical testing. Allele origin: germline.

Blueprint Genetics
Classification: Likely benign. Last evaluated: 2024-11-22. Review status: criteria provided, single submitter. Criteria: ACMG Guidelines, 2015. Collection method: clinical testing. Allele origin: germline.

ARUP Laboratories, Molecular Genetics and Genomics, ARUP Laboratories
Classification: Uncertain significance for Primary ciliary dyskinesia 7. Last evaluated: 2022-04-06. Review status: criteria provided, single submitter. Criteria: ARUP Molecular Germline Variant Investigation Process 2021. Collection method: clinical testing. Allele origin: germline.
Comment: The DNAH11 c.8521A>G; p.Ser2841Gly variant (rs199789835), to our knowledge, is not reported in the medical literature but is reported in ClinVar (Variation ID: 359657). This variant is found in the Ashkenazi Jewish population with an allele frequency of 0.77% (62/8092 alleles) in the Genome Aggregation Database. The serine at codon 2841 is highly conserved, but computational analyses are uncertain whether this variant is neutral or deleterious (REVEL: 0.229). Due to limited information, the clinical significance of the p.Ser2841Gly variant is uncertain at this time.

PreventionGenetics, part of Exact Sciences
Classification: Likely benign for DNAH11-related condition. Last evaluated: 2022-01-12. Review status: no assertion criteria provided. Collection method: clinical testing. Allele origin: germline. Not counted in ClinVar's aggregate classification.
Comment: This variant is classified as likely benign based on ACMG/AMP sequence variant interpretation guidelines (Richards et al. 2015 PMID: 25741868, with internal and published modifications).